The following is an entry in ClinVar:

ClinVar aggregate classification (germline): Uncertain significance (1 of 4 stars; one submission).

Submission:

Ambry Genetics
Classification: Uncertain significance. Last evaluated: 2024-11-26. Review status: criteria provided, single submitter. Criteria: Ambry Variant Classification Scheme 2023. Collection method: clinical testing. Allele origin: germline.
Comment: The p.L1213R variant (also known as c.3638T>G), located in coding exon 13 of the CDK12 gene, results from a T to G substitution at nucleotide position 3638. The leucine at codon 1213 is replaced by arginine, an amino acid with dissimilar properties. This amino acid position is conserved. In addition, the in silico prediction for this alteration is inconclusive. Based on the available evidence, the clinical significance of this variant remains unclear.

NM_016507.4(CDK12):c.3638T>G (p.Leu1213Arg)

Gene: CDK12 (cyclin dependent kinase 12; plus strand). Cytogenetic location: 17q12.
Variant type: single nucleotide variant.
Coding change: c.3638T>G on transcript NM_016507.4 (MANE Select); coding-DNA position 3638, T replaced by G.
Protein change: p.Leu1213Arg; replaces leucine 1213 with arginine.
Molecular consequence: missense variant.
Genome position (GRCh38, 1-based): chr17:39,526,194, T>G. VCF-style: chr17-39526194-T-G. GRCh37 (hg19) VCF-style: chr17-37682447-T-G.
Other names: c.3638T>G, p.Leu1213Arg (NM_015083.4); short protein forms L1213R.
Identifiers: ClinVar variation 3489304 (VCV003489304.1).